The following is an entry in ClinVar:

ClinVar aggregate classification (germline): Uncertain significance (1 of 4 stars; one submission).

gnomAD v4.1: 1 of 1,613,598 alleles (0.000062%); highest among the groups gnomAD compares: Non-Finnish European, 0.000085%; no homozygotes.

Submission:

GeneDx
Classification: Uncertain significance. Last evaluated: 2024-02-15. Review status: criteria provided, single submitter. Criteria: GeneDx Variant Classification Process June 2021. Collection method: clinical testing. Allele origin: germline. Affected: yes.
Comment: Not observed at significant frequency in large population cohorts (gnomAD); In silico analysis supports that this missense variant has a deleterious effect on protein structure/function; Has not been previously published as pathogenic or benign to our knowledge; Variants in candidate genes are classified as variants of uncertain significance in accordance with ACMG guidelines (PMID: 25741868)

NM_003400.4(XPO1):c.490T>C (p.Cys164Arg)

Gene: XPO1 (exportin 1; minus strand). Cytogenetic location: 2p15.
Variant type: single nucleotide variant.
Coding change: c.490T>C on transcript NM_003400.4 (MANE Select); coding-DNA position 490, T replaced by C.
Protein change: p.Cys164Arg; replaces cysteine 164 with arginine.
Molecular consequence: missense variant.
Genome position (GRCh38, 1-based): chr2:61,499,813, A>G on the plus strand (T>C on the coding strand, the complement: XPO1 is on the minus strand). VCF-style: chr2-61499813-A-G. GRCh37 (hg19) VCF-style: chr2-61726948-A-G.
Other names: c.490T>C, p.Cys164Arg (NM_001410799.1); short protein forms C164R.
Identifiers: ClinVar variation 4076635 (VCV004076635.1).
Genomic context (GRCh38, chr2:61,499,813, plus strand): 5'-CACTAGAGAAATCAAATACTTCTTCACTCAAGAGTTTAAGAATCACCATATTATTTTGAC[A>G]GAGACTTTCGCTGGTCCTACTTGCTCCAACAATATCACTGATAAAAGTTGGCCAATGTTT-3'
Protein context (NP_003391.1, residues 154-174): VGASRTSESL[Cys164Arg]QNNMVILKLL